The following is an entry in ClinVar:

ClinVar aggregate classification (germline): Uncertain significance (1 of 4 stars; one submission).

Conditions:
RYR1-related disorder. Also called: RYR1-related condition; RYR1-related disorders. Identifiers: MedGen CN239331.

gnomAD v4.1: 2 of 1,614,072 alleles (0.00012%); highest among the groups gnomAD compares: Non-Finnish European, 0.000085%; no homozygotes.

Submission:

Labcorp Genetics (formerly Invitae), Labcorp
Classification: Uncertain significance for RYR1-related disorder. Last evaluated: 2024-02-14. Review status: criteria provided, single submitter. Criteria: Invitae Variant Classification Sherloc (09022015). Collection method: clinical testing. Allele origin: germline.
Comment: This sequence change replaces serine, which is neutral and polar, with phenylalanine, which is neutral and non-polar, at codon 1066 of the RYR1 protein (p.Ser1066Phe). This variant is not present in population databases (gnomAD no frequency). This variant has not been reported in the literature in individuals affected with RYR1-related conditions. Advanced modeling of protein sequence and biophysical properties (such as structural, functional, and spatial information, amino acid conservation, physicochemical variation, residue mobility, and thermodynamic stability) performed at Invitae indicates that this missense variant is not expected to disrupt RYR1 protein function with a negative predictive value of 95%. In summary, the available evidence is currently insufficient to determine the role of this variant in disease. Therefore, it has been classified as a Variant of Uncertain Significance.

NM_000540.3(RYR1):c.3197C>T (p.Ser1066Phe)

Gene: RYR1 (ryanodine receptor 1; plus strand). Cytogenetic location: 19q13.2.
Variant type: single nucleotide variant.
Coding change: c.3197C>T on transcript NM_000540.3 (MANE Select); coding-DNA position 3197, C replaced by T.
Protein change: p.Ser1066Phe; replaces serine 1066 with phenylalanine.
Molecular consequence: missense variant.
Genome position (GRCh38, 1-based): chr19:38,467,628, C>T. VCF-style: chr19-38467628-C-T. GRCh37 (hg19) VCF-style: chr19-38958268-C-T.
Other names: c.3197C>T, p.Ser1066Phe (NM_001042723.2); short protein forms S1066F.
Identifiers: ClinVar variation 3627608 (VCV003627608.2).